The following is an entry in ClinVar:

ClinVar aggregate classification (germline): Conflicting classifications of pathogenicity. Review status: criteria provided, conflicting classifications (1 of 4 stars). 3 submissions from 3 submitters: Uncertain significance (1); Likely benign (2). Last evaluated 2025-12-22.

Conditions:
OTOA-related disorder. Also called: OTOA-related condition.

Allele frequency attached by ClinVar (database versions not stated): gnomAD 0.00042 and 0.00036; gnomAD exomes 0.00002 and 0.00009; ExAC 0.00012; TOPMed 0.00035; ESP Exome Variant Server 0.00038.
gnomAD v4.1: 91 of 1,613,806 alleles (0.0056%); highest among the groups gnomAD compares: African/African-American, 0.095%; no homozygotes.

Submissions (4):

PreventionGenetics, part of Exact Sciences
Classification: Likely benign for OTOA-related condition. Last evaluated: 2025-12-22. Review status: criteria provided, single submitter. Criteria: ACMG Guidelines, 2015. Collection method: clinical testing. Allele origin: germline.
Comment: This variant is classified as likely benign based on ACMG/AMP sequence variant interpretation guidelines (Richards et al. 2015 PMID: 25741868, with internal and published modifications).

Labcorp Genetics (formerly Invitae), Labcorp
Classification: Likely benign. Last evaluated: 2025-09-22. Review status: criteria provided, single submitter. Criteria: Invitae Variant Classification Sherloc (09022015). Collection method: clinical testing. Allele origin: germline.

Eurofins Ntd Llc (ga)
Classification: Uncertain significance. Last evaluated: 2016-04-07. Review status: criteria provided, single submitter. Criteria: EGL Classification Definitions 2015. Collection method: clinical testing. Allele origin: germline. Observed: 1 variant allele, 1 heterozygote.

Dr. Peter K. Rogan Lab, Western University
No classification provided (evidence only). Condition: Melanoma. Review status: no classification provided. Collection method: in vitro. Allele origin: not applicable. Functional consequence: skipped exon, retained intron. Not counted in ClinVar's aggregate classification.

NM_144672.4(OTOA):c.1173G>A (p.Ser391=)

Gene: OTOA (otoancorin). Cytogenetic location: 16p12.2.
Variant type: single nucleotide variant.
Coding change: c.1173G>A on transcript NM_144672.4 (MANE Select); coding-DNA position 1173, G replaced by A.
Protein change: p.Ser391=; no amino-acid change (serine 391 retained).
Molecular consequence: synonymous variant.
Genome position (GRCh38, 1-based): chr16:21,709,956, G>A. VCF-style: chr16-21709956-G-A. GRCh37 (hg19) VCF-style: chr16-21721277-G-A.
Other names: c.1173G>A (NM_144672.3); c.936G>A, p.Ser312= (NM_001161683.2); c.201G>A, p.Ser67= (NM_170664.3).
Identifiers: ClinVar variation 286963 (VCV000286963.14), dbSNP rs143326637, ClinGen allele CA7952563.